The following is an entry in ClinVar:

ClinVar aggregate classification (germline): Uncertain significance (1 of 4 stars; one submission).

Submission:

Women's Health and Genetics/Laboratory Corporation of America, LabCorp
Classification: Uncertain significance. Last evaluated: 2024-09-11. Review status: criteria provided, single submitter. Criteria: LabCorp Variant Classification Summary - May 2015. Collection method: clinical testing. Allele origin: germline.
Comment: Variant summary: COQ7 c.71C>G (p.Ser24X) results in a premature termination codon, predicted to cause a truncation of the encoded protein or absence of the protein due to nonsense mediated decay, however current evidence is not sufficient to establish loss of function as a mechanism for disease. The variant was absent in 233080 control chromosomes. The available data on variant occurrences in the general population are insufficient to allow any conclusion about variant significance. To our knowledge, no occurrence of c.71C>G in individuals affected with Primary Coenzyme Q10 Deficiency 8 and no experimental evidence demonstrating its impact on protein function have been reported. No submitters have cited clinical-significance assessments for this variant to ClinVar. Based on the evidence outlined above, the variant was classified as uncertain significance.

NM_016138.5(COQ7):c.71C>G (p.Ser24Ter)

Genes: COQ7 (coenzyme Q7, hydroxylase; plus strand), LOC130058587 (ATAC-STARR-seq lymphoblastoid silent region 7240; plus strand). Cytogenetic location: 16p12.3.
Variant type: single nucleotide variant.
Coding change: c.71C>G on transcript NM_016138.5 (MANE Select); coding-DNA position 71, C replaced by G.
Protein change: p.Ser24Ter; replaces serine 24 with a stop codon.
Molecular consequence: nonsense. On other transcripts: 5 prime UTR variant (1), non-coding transcript variant (2).
Genome position (GRCh38, 1-based): chr16:19,067,735, C>G. VCF-style: chr16-19067735-C-G. GRCh37 (hg19) VCF-style: chr16-19079057-C-G.
Other names: c.71C>G, p.Ser24Ter (NM_001370490.1); c.-137C>G (NM_001370494.1); short protein forms S24*.
Identifiers: ClinVar variation 3374889 (VCV003374889.1).